The following is an entry in ClinVar:

ClinVar aggregate classification (germline): Uncertain significance (1 of 4 stars; one submission).

Conditions:
DICER1-related tumor predisposition. Also called: DICER1-related pleuropulmonary blastoma cancer predisposition syndrome; DICER1 syndrome. Identifiers: Orphanet 284343, MedGen C3839822, MONDO:0100216.

Submission:

Labcorp Genetics (formerly Invitae), Labcorp
Classification: Uncertain significance for DICER1-related tumor predisposition. Last evaluated: 2024-05-18. Review status: criteria provided, single submitter. Criteria: Invitae Variant Classification Sherloc (09022015). Collection method: clinical testing. Allele origin: germline.
Comment: This sequence change replaces alanine, which is neutral and non-polar, with serine, which is neutral and polar, at codon 1409 of the DICER1 protein (p.Ala1409Ser). This variant is not present in population databases (gnomAD no frequency). This variant has not been reported in the literature in individuals affected with DICER1-related conditions. An algorithm developed to predict the effect of missense changes on protein structure and function (PolyPhen-2) suggests that this variant is likely to be tolerated. In summary, the available evidence is currently insufficient to determine the role of this variant in disease. Therefore, it has been classified as a Variant of Uncertain Significance.

NM_177438.3(DICER1):c.4225G>T (p.Ala1409Ser)

Gene: DICER1 (dicer 1, ribonuclease III; minus strand). Cytogenetic location: 14q32.13.
Variant type: single nucleotide variant.
Coding change: c.4225G>T on transcript NM_177438.3 (MANE Select); coding-DNA position 4225, G replaced by T.
Protein change: p.Ala1409Ser; replaces alanine 1409 with serine.
Molecular consequence: missense variant. On other transcripts: non-coding transcript variant (6).
Genome position (GRCh38, 1-based): chr14:95,096,695, C>A on the plus strand (G>T on the coding strand, the complement: DICER1 is on the minus strand). VCF-style: chr14-95096695-C-A. GRCh37 (hg19) VCF-style: chr14-95563032-C-A.
Other names: c.4225G>T, p.Ala1409Ser (NM_001195573.1, NM_001271282.3, NM_001291628.2 and 12 more transcripts); c.3943G>T, p.Ala1315Ser (NM_001395686.1); c.3820G>T, p.Ala1274Ser (NM_001395687.1, NM_001395688.1, NM_001395689.1 and 2 more transcripts); c.3658G>T, p.Ala1220Ser (NM_001395691.1); c.2542G>T, p.Ala848Ser (NM_001395697.1); short protein forms A1315S, A1220S, A1274S, A848S, A1409S.
Identifiers: ClinVar variation 3653747 (VCV003653747.2).